The following is an entry in ClinVar:

ClinVar aggregate classification (germline): Uncertain significance (1 of 4 stars; one submission).

Conditions:
Baller-Gerold syndrome (BGS). Also called: CRANIOSYNOSTOSIS WITH RADIAL DEFECTS. Identifiers: Orphanet 1225, MedGen C0265308, MONDO:0009039, OMIM 218600.

gnomAD v4.1: 2 of 1,575,338 alleles (0.00013%); highest among the groups gnomAD compares: Non-Finnish European, 0.00017%; no homozygotes.

Submission:

Labcorp Genetics (formerly Invitae), Labcorp
Classification: Uncertain significance for Baller-Gerold syndrome. Last evaluated: 2024-04-29. Review status: criteria provided, single submitter. Criteria: Invitae Variant Classification Sherloc (09022015). Collection method: clinical testing. Allele origin: germline.
Comment: This sequence change replaces alanine, which is neutral and non-polar, with threonine, which is neutral and polar, at codon 852 of the RECQL4 protein (p.Ala852Thr). This variant is not present in population databases (gnomAD no frequency). This variant has not been reported in the literature in individuals affected with RECQL4-related conditions. ClinVar contains an entry for this variant (Variation ID: 2415367). Advanced modeling of protein sequence and biophysical properties (such as structural, functional, and spatial information, amino acid conservation, physicochemical variation, residue mobility, and thermodynamic stability) performed at Invitae indicates that this missense variant is not expected to disrupt RECQL4 protein function with a negative predictive value of 80%. In summary, the available evidence is currently insufficient to determine the role of this variant in disease. Therefore, it has been classified as a Variant of Uncertain Significance.

NM_004260.4(RECQL4):c.2554G>A (p.Ala852Thr)

Gene: RECQL4 (RecQ like helicase 4; minus strand). Cytogenetic location: 8q24.3.
Variant type: single nucleotide variant.
Coding change: c.2554G>A on transcript NM_004260.4 (MANE Select); coding-DNA position 2554, G replaced by A.
Protein change: p.Ala852Thr; replaces alanine 852 with threonine.
Molecular consequence: missense variant.
Genome position (GRCh38, 1-based): chr8:144,513,048, C>T on the plus strand (G>A on the coding strand, the complement: RECQL4 is on the minus strand). VCF-style: chr8-144513048-C-T. GRCh37 (hg19) VCF-style: chr8-145738431-C-T.
Other names: c.1483G>A, p.Ala495Thr (NM_001413024.1, NM_001413028.1, NM_001413034.1 and 5 more transcripts); c.2425G>A, p.Ala809Thr (NM_001413025.1); c.1417G>A, p.Ala473Thr (NM_001413027.1, NM_001413030.1, NM_001413032.1 and 1 more transcripts); c.2203G>A, p.Ala735Thr (NM_001413029.1); c.1285G>A, p.Ala429Thr (NM_001413031.1, NM_001413038.1); c.2422G>A, p.Ala808Thr (NM_001413033.1); c.2260G>A, p.Ala754Thr (NM_001413017.1); c.2356G>A, p.Ala786Thr (NM_001413018.1); and 6 more; short protein forms A363T, A429T, A451T, A473T, A485T, A495T, A735T, A754T.
Identifiers: ClinVar variation 2415367 (VCV002415367.5), dbSNP rs1364427572, ClinGen allele CA372677067.
Genomic context (GRCh38, chr8:144,513,048, plus strand): 5'-TCTCCCCACCCACGGCCCCTTCCTGCTCCGAGGGCGGCCTGGTGCAGGTGCAGGTGCAGG[C>T]TGGGAACACGCGCTGTACCAGCCTCTTCACAGCCAGGAAGTCCGTGCTGTCGGCGTGCAC-3'
Protein context (NP_004251.4, residues 842-862): VKRLVQRVFP[Ala852Thr]CTCTCTRPPS